The following is an entry in ClinVar:

NM_001271.4(CHD2):c.847G>C (p.Val283Leu)

Gene: CHD2 (chromodomain helicase DNA binding protein 2; plus strand). Cytogenetic location: 15q26.1.
Variant type: single nucleotide variant.
Coding change: c.847G>C on transcript NM_001271.4 (MANE Select); coding-DNA position 847, G replaced by C.
Protein change: p.Val283Leu; replaces valine 283 with leucine.
Molecular consequence: missense variant.
Genome position (GRCh38, 1-based): chr15:92,942,863, G>C. VCF-style: chr15-92942863-G-C. GRCh37 (hg19) VCF-style: chr15-93486093-G-C.
Other names: c.847G>C, p.Val283Leu (NM_001042572.3); c.847G>C (NM_001271.3); short protein forms V283L.
Identifiers: ClinVar variation 1993646 (VCV001993646.5), dbSNP rs2505446686, ClinGen allele CA393901326.

ClinVar aggregate classification (germline): Uncertain significance. Review status: criteria provided, multiple submitters, no conflicts (2 of 4 stars). 2 submissions from 2 submitters: Uncertain significance (2). Last evaluated 2026-01-05.

Conditions:
Developmental and epileptic encephalopathy 94 (DEE94). Also called: CHD2-Related Neurodevelopmental Disorders; Epileptic encephalopathy, childhood-onset. Identifiers: Orphanet 1942, Orphanet 2382, MedGen C3809278, MONDO:0014150, OMIM 615369.

Submissions (2):

Labcorp Genetics (formerly Invitae), Labcorp
Classification: Uncertain significance for Developmental and epileptic encephalopathy 94. Last evaluated: 2026-01-05. Review status: criteria provided, single submitter. Criteria: Invitae Variant Classification Sherloc (09022015). Collection method: clinical testing. Allele origin: germline.
Comment: This sequence change replaces valine, which is neutral and non-polar, with leucine, which is neutral and non-polar, at codon 283 of the CHD2 protein (p.Val283Leu). This variant is not present in population databases (gnomAD no frequency). This variant has not been reported in the literature in individuals affected with CHD2-related conditions. ClinVar contains an entry for this variant (Variation ID: 1993646). Invitae Evidence Modeling of protein sequence and biophysical properties (such as structural, functional, and spatial information, amino acid conservation, physicochemical variation, residue mobility, and thermodynamic stability) indicates that this missense variant is not expected to disrupt CHD2 protein function with a negative predictive value of 95%. In summary, the available evidence is currently insufficient to determine the role of this variant in disease. Therefore, it has been classified as a Variant of Uncertain Significance.

GeneDx
Classification: Uncertain significance. Last evaluated: 2024-02-09. Review status: criteria provided, single submitter. Criteria: GeneDx Variant Classification Process June 2021. Collection method: clinical testing. Allele origin: germline. Affected: yes.
Comment: Not observed at significant frequency in large population cohorts (gnomAD); In silico analysis supports that this missense variant does not alter protein structure/function; Has not been previously published as pathogenic or benign to our knowledge